The following is an entry in ClinVar:

ClinVar aggregate classification (germline): Pathogenic (1 of 4 stars; one submission).

Conditions:
Duchenne muscular dystrophy (DMD). Also called: MUSCULAR DYSTROPHY, PSEUDOHYPERTROPHIC PROGRESSIVE, DUCHENNE TYPE; Duchenne Muscular Dystrophy (DMD). Identifiers: Orphanet 98896, MedGen C0013264, MONDO:0010679, OMIM 310200.

Submission:

Labcorp Genetics (formerly Invitae), Labcorp
Classification: Pathogenic for Duchenne muscular dystrophy. Last evaluated: 2024-01-09. Review status: criteria provided, single submitter. Criteria: Invitae Variant Classification Sherloc (09022015). Collection method: clinical testing. Allele origin: unknown.
Comment: This variant is a gross deletion of the genomic region encompassing exon(s) 49-55 of the DMD gene. This variant would be expected to be in-frame, preserving the integrity of the reading frame. This variant has not been reported in the literature in individuals affected with DMD-related conditions. The region of the DMD gene that includes exon(s) 49 has been determined to be clinically significant (PMID: 9470882, 9619643, 14977063, 20031633, 20847377, 23438214). Therefore, deletions that encompass that region are likely to be disease-causing. For these reasons, this variant has been classified as Pathogenic.

Literature cited by the submitters: PubMed 9470882; PubMed 9619643; PubMed 14977063; PubMed 20031633; PubMed 20847377; PubMed 23438214.

NC_000023.10:g.(?_31645770)_(31854956_?)del

Gene: DMD (dystrophin; minus strand). Cytogenetic location: Xp21.1.
Variant type: Deletion.
Identifiers: ClinVar variation 3248289 (VCV003248289.1).